The following is an entry in ClinVar:

ClinVar aggregate classification (germline): Uncertain significance (1 of 4 stars; one submission).

Conditions:
Familial thoracic aortic aneurysm and aortic dissection (TAAD). Also called: Thoracic aortic aneurysms and dissections. Identifiers: Orphanet 91387, MedGen C4707243, MONDO:0019625.

Submission:

Ambry Genetics
Classification: Uncertain significance for Familial thoracic aortic aneurysm and aortic dissection. Last evaluated: 2025-10-05. Review status: criteria provided, single submitter. Criteria: Ambry Variant Classification Scheme 2023. Collection method: clinical testing. Allele origin: germline.
Comment: The p.E1277V variant (also known as c.3830A>T), located in coding exon 27 of the MYH11 gene, results from an A to T substitution at nucleotide position 3830. The glutamic acid at codon 1277 is replaced by valine, an amino acid with dissimilar properties. This amino acid position is conserved. In addition, this alteration is predicted to be deleterious by in silico analysis. Based on the available evidence, the clinical significance of this variant remains unclear.

NM_002474.3(MYH11):c.3830A>T (p.Glu1277Val)

Gene: MYH11 (myosin heavy chain 11; minus strand). Cytogenetic location: 16p13.11.
Variant type: single nucleotide variant.
Coding change: c.3830A>T on transcript NM_002474.3 (MANE Select); coding-DNA position 3830, A replaced by T.
Protein change: p.Glu1277Val; replaces glutamic acid 1277 with valine.
Molecular consequence: missense variant.
Genome position (GRCh38, 1-based): chr16:15,726,876, T>A on the plus strand (A>T on the coding strand, the complement: MYH11 is on the minus strand). VCF-style: chr16-15726876-T-A. GRCh37 (hg19) VCF-style: chr16-15820733-T-A.
Other names: c.3851A>T, p.Glu1284Val (NM_001040113.2, NM_001040114.2); c.3830A>T, p.Glu1277Val (NM_022844.3); short protein forms E1284V, E1277V.
Identifiers: ClinVar variation 4635417 (VCV004635417.1).